The following is an entry in ClinVar:

NM_022114.4(PRDM16):c.1850C>T (p.Thr617Met)

Gene: PRDM16 (PR/SET domain 16; plus strand). Cytogenetic location: 1p36.32.
Variant type: single nucleotide variant.
Coding change: c.1850C>T on transcript NM_022114.4 (MANE Select); coding-DNA position 1850, C replaced by T.
Protein change: p.Thr617Met; replaces threonine 617 with methionine.
Molecular consequence: missense variant.
Genome position (GRCh38, 1-based): chr1:3,412,047, C>T. VCF-style: chr1-3412047-C-T. GRCh37 (hg19) VCF-style: chr1-3328611-C-T.
Other names: c.1850C>T, p.Thr617Met (NM_199454.3); short protein forms T617M.
Identifiers: ClinVar variation 432644 (VCV000432644.10), dbSNP rs767242607, ClinGen allele CA544310.

ClinVar aggregate classification (germline): Uncertain significance. Review status: criteria provided, multiple submitters, no conflicts (2 of 4 stars). 3 submissions from 3 submitters: Uncertain significance (3). Last evaluated 2024-07-15.

Conditions:
Inborn genetic diseases. Identifiers: MedGen C0950123, MeSH D030342.
Left ventricular noncompaction 8 (LVNC8). Identifiers: Orphanet 154, Orphanet 54260, MedGen C3809288, MONDO:0014152, OMIM 615373.

Allele frequency attached by ClinVar (database versions not stated): ExAC 0.00001; gnomAD exomes 0.00001; gnomAD 0.00002; TOPMed 0.00003.
gnomAD v4.1: 21 of 1,610,946 alleles (0.0013%); highest among the groups gnomAD compares: Middle Eastern, 0.016%; no homozygotes.

Submissions (3):

Labcorp Genetics (formerly Invitae), Labcorp
Classification: Uncertain significance for Left ventricular noncompaction 8. Last evaluated: 2024-07-15. Review status: criteria provided, single submitter. Criteria: Invitae Variant Classification Sherloc (09022015). Collection method: clinical testing. Allele origin: germline.
Comment: This sequence change replaces threonine, which is neutral and polar, with methionine, which is neutral and non-polar, at codon 617 of the PRDM16 protein (p.Thr617Met). This variant is present in population databases (rs767242607, gnomAD 0.005%). This variant has not been reported in the literature in individuals affected with PRDM16-related conditions. ClinVar contains an entry for this variant (Variation ID: 432644). An algorithm developed to predict the effect of missense changes on protein structure and function (PolyPhen-2) suggests that this variant is likely to be disruptive. In summary, the available evidence is currently insufficient to determine the role of this variant in disease. Therefore, it has been classified as a Variant of Uncertain Significance.

Ambry Genetics
Classification: Uncertain significance for Inborn genetic diseases. Last evaluated: 2024-03-01. Review status: criteria provided, single submitter. Criteria: Ambry Variant Classification Scheme 2023. Collection method: clinical testing. Allele origin: germline.

GeneDx
Classification: Uncertain significance. Last evaluated: 2017-06-13. Review status: criteria provided, single submitter. Criteria: GeneDx Variant Classification (06012015). Collection method: clinical testing. Allele origin: germline. Affected: yes.
Comment: The T617M variant of uncertain significance in the PRDM16 gene has not been published as pathogenic or been reported as benign to our knowledge. This variant was not observed at any significant frequency in large population cohorts (Lek et al., 2016; 1000 Genomes Consortium et al., 2015; Exome Variant Server). The T617M variant is a non-conservative amino acid substitution, which is likely to impact secondary protein structure as these residues differ in polarity, charge, size and/or other properties. Additionally, this substitution occurs at a position that is conserved across species. Finally, in silico analysis predicts this variant is probably damaging to the protein structure/function. Thus, this variant lacks observation in a significant number of affected individuals, segregation data, and functional evidence, which would further clarify its pathogenicity. Therefore, based on the currently available information, it is unclear whether this variant is pathogenic or rare benign.